The following is an entry in ClinVar:

NM_000836.4(GRIN2D):c.3233G>A (p.Gly1078Asp)

Gene: GRIN2D (glutamate ionotropic receptor NMDA type subunit 2D; plus strand). Cytogenetic location: 19q13.33.
Variant type: single nucleotide variant.
Coding change: c.3233G>A on transcript NM_000836.4 (MANE Select); coding-DNA position 3233, G replaced by A.
Protein change: p.Gly1078Asp; replaces glycine 1078 with aspartic acid.
Molecular consequence: missense variant.
Genome position (GRCh38, 1-based): chr19:48,443,159, G>A. VCF-style: chr19-48443159-G-A. GRCh37 (hg19) VCF-style: chr19-48946416-G-A.
Other names: short protein forms G1078D.
Identifiers: ClinVar variation 1969694 (VCV001969694.5), dbSNP rs1177271643, ClinGen allele CA406675157.

ClinVar aggregate classification (germline): Uncertain significance (1 of 4 stars; one submission).

Submission:

Labcorp Genetics (formerly Invitae), Labcorp
Classification: Uncertain significance. Last evaluated: 2022-11-22. Review status: criteria provided, single submitter. Criteria: Invitae Variant Classification Sherloc (09022015). Collection method: clinical testing. Allele origin: germline.
Comment: Advanced modeling of protein sequence and biophysical properties (such as structural, functional, and spatial information, amino acid conservation, physicochemical variation, residue mobility, and thermodynamic stability) performed at Invitae indicates that this missense variant is not expected to disrupt GRIN2D protein function. This variant has not been reported in the literature in individuals affected with GRIN2D-related conditions. The frequency data for this variant in the population databases is considered unreliable, as metrics indicate insufficient coverage at this position in the gnomAD database. This sequence change replaces glycine, which is neutral and non-polar, with aspartic acid, which is acidic and polar, at codon 1078 of the GRIN2D protein (p.Gly1078Asp). In summary, the available evidence is currently insufficient to determine the role of this variant in disease. Therefore, it has been classified as a Variant of Uncertain Significance.